The following is an entry in ClinVar:

NM_014979.4(SV2C):c.1445C>G (p.Thr482Ser)

Genes: SV2C (synaptic vesicle glycoprotein 2C; plus strand), SV2C-AS2 (SV2C antisense RNA 2; minus strand), LOC126807426 (BRD4-independent group 4 enhancer GRCh37_chr5:75590840-75592039; plus strand). Cytogenetic location: 5q13.3.
Variant type: single nucleotide variant.
Coding change: c.1445C>G on transcript NM_014979.4 (MANE Select); coding-DNA position 1445, C replaced by G.
Protein change: p.Thr482Ser; replaces threonine 482 with serine.
Molecular consequence: missense variant.
Genome position (GRCh38, 1-based): chr5:76,295,885, C>G. VCF-style: chr5-76295885-C-G. GRCh37 (hg19) VCF-style: chr5-75591710-C-G.
Other names: c.1445C>G, p.Thr482Ser (NM_001297716.2); short protein forms T482S.
Identifiers: ClinVar variation 3059133 (VCV003059133.2), dbSNP rs2270927, ClinGen allele CA3311272.

ClinVar aggregate classification (germline): Benign (0 of 4 stars; one submission).

Conditions:
SV2C-related disorder. Also called: SV2C-related condition.

Allele frequency attached by ClinVar (database versions not stated): ExAC 0.14063; ESP Exome Variant Server 0.14949; TOPMed 0.16787; 1000 Genomes Project 30x 0.17708; 1000 Genomes Project 0.17792.
gnomAD v4.1: 187,981 of 1,612,150 alleles (12%); highest among the groups gnomAD compares: African/African-American, 27%; 12,779 homozygotes.

Submission:

PreventionGenetics, part of Exact Sciences
Classification: Benign for SV2C-related condition. Last evaluated: 2019-10-18. Review status: no assertion criteria provided. Collection method: clinical testing. Allele origin: germline.
Comment: This variant is classified as benign based on ACMG/AMP sequence variant interpretation guidelines (Richards et al. 2015 PMID: 25741868, with internal and published modifications).